The following is an entry in ClinVar:

ClinVar aggregate classification (germline): Uncertain significance. Review status: criteria provided, multiple submitters, no conflicts (2 of 4 stars). 2 submissions from 2 submitters: Uncertain significance (2). Last evaluated 2025-06-04.

Conditions:
Rubinstein-Taybi syndrome (RSTS). Identifiers: Orphanet 783, MedGen C0035934, MONDO:0019188.
CREBBP-related disorder. Also called: CREBBP-related condition; CREBBP-related disorders.

Submissions (2):

PreventionGenetics, part of Exact Sciences
Classification: Uncertain significance for CREBBP-related condition. Last evaluated: 2025-06-04. Review status: criteria provided, single submitter. Criteria: ACMG Guidelines, 2015. Collection method: clinical testing. Allele origin: germline.
Comment: The CREBBP c.5547G>C variant is predicted to result in the amino acid substitution p.Lys1849Asn. To our knowledge, this variant has not been reported in the literature or in a large population database (gnomAD), indicating this variant is rare. At this time, the clinical significance of this variant is uncertain due to the absence of conclusive functional and genetic evidence.

Labcorp Genetics (formerly Invitae), Labcorp
Classification: Uncertain significance for Rubinstein-Taybi syndrome. Last evaluated: 2025-03-30. Review status: criteria provided, single submitter. Criteria: Invitae Variant Classification Sherloc (09022015). Collection method: clinical testing. Allele origin: germline.
Comment: This sequence change replaces lysine, which is basic and polar, with asparagine, which is neutral and polar, at codon 1849 of the CREBBP protein (p.Lys1849Asn). This variant is not present in population databases (gnomAD no frequency). This variant has not been reported in the literature in individuals affected with CREBBP-related conditions. Invitae Evidence Modeling of protein sequence and biophysical properties (such as structural, functional, and spatial information, amino acid conservation, physicochemical variation, residue mobility, and thermodynamic stability) indicates that this missense variant is expected to disrupt CREBBP protein function with a positive predictive value of 80%. In summary, the available evidence is currently insufficient to determine the role of this variant in disease. Therefore, it has been classified as a Variant of Uncertain Significance.

NM_004380.3(CREBBP):c.5547G>C (p.Lys1849Asn)

Gene: CREBBP (CREB binding lysine acetyltransferase; minus strand). Cytogenetic location: 16p13.3.
Variant type: single nucleotide variant.
Coding change: c.5547G>C on transcript NM_004380.3 (MANE Select); coding-DNA position 5547, G replaced by C.
Protein change: p.Lys1849Asn; replaces lysine 1849 with asparagine.
Molecular consequence: missense variant.
Genome position (GRCh38, 1-based): chr16:3,729,500, C>G on the plus strand (G>C on the coding strand, the complement: CREBBP is on the minus strand). VCF-style: chr16-3729500-C-G. GRCh37 (hg19) VCF-style: chr16-3779501-C-G.
Other names: c.5547G>C (NM_004380.2); c.5433G>C, p.Lys1811Asn (NM_001079846.1); short protein forms K1849N, K1811N.
Identifiers: ClinVar variation 4747486 (VCV004747486.2).
Genomic context (GRCh38, chr16:3,729,500, plus strand): 5'-CATCCGCCGGCGCATGAGCTGGGCCTGCTGCAGGCGGTGCTGGATCTGCTGCTGGCGGAG[C>G]TTGTGTTTGATGTTGAGGCAGAAGGGCACGGGGCATTTGTTTTCTTGGCAGTGCTTGGCG-3'
Protein context (NP_004371.2, residues 1839-1859): PVPFCLNIKH[Lys1849Asn]LRQQQIQHRL